The following is an entry in ClinVar:

ClinVar aggregate classification (germline): Uncertain significance (1 of 4 stars; one submission).

Conditions:
Lesch-Nyhan syndrome (LNS). Also called: HPRT DEFICIENCY, COMPLETE; Lesch-Nyhan Disease (LND). Identifiers: Orphanet 510, MedGen C0023374, MONDO:0010298, OMIM 300322.

Submission:

Institute of Human Genetics, University of Goettingen
Classification: Uncertain significance for Lesch-Nyhan syndrome. Last evaluated: 2024-01-26. Review status: criteria provided, single submitter. Criteria: ACMG Guidelines, 2015. Collection method: clinical testing. Allele origin: unknown. Inheritance: X-linked recessive inheritance. Affected: yes. Observed: 1 hemizygote.
Comment: Following reasons led to the classification as variant of uncertain significance: A comparison with gnomAD and ExAC did not provide evidence that this variant is a norm variant that can be detected in non-affected individuals. The patients symptoms fit to the variant-associated diagnosis. The used prediction programs / prediction scores (REVEL, Mutationtaster, SIFT, Polyphen-2, AlphaMissense, Meta-LR) showed mixed classifications with 3/6 scores predicting a damaging charakter.

NM_000194.3(HPRT1):c.70A>T (p.Ile24Leu)

Gene: HPRT1 (hypoxanthine phosphoribosyltransferase 1; plus strand). Cytogenetic location: Xq26.2.
Variant type: single nucleotide variant.
Coding change: c.70A>T on transcript NM_000194.3 (MANE Select); coding-DNA position 70, A replaced by T.
Protein change: p.Ile24Leu; replaces isoleucine 24 with leucine.
Molecular consequence: missense variant.
Genome position (GRCh38, 1-based): chrX:134,473,401, A>T. VCF-style: chrX-134473401-A-T. GRCh37 (hg19) VCF-style: chrX-133607431-A-T.
Other names: short protein forms I24L.
Identifiers: ClinVar variation 3069198 (VCV003069198.2), dbSNP rs2520780699, ClinGen allele CA414711328.